The following is an entry in ClinVar:

NM_024529.5(CDC73):c.434G>A (p.Cys145Tyr)

Gene: CDC73 (cell division cycle 73; plus strand). Cytogenetic location: 1q31.2.
Variant type: single nucleotide variant.
Coding change: c.434G>A on transcript NM_024529.5 (MANE Select); coding-DNA position 434, G replaced by A.
Protein change: p.Cys145Tyr; replaces cysteine 145 with tyrosine.
Molecular consequence: missense variant.
Genome position (GRCh38, 1-based): chr1:193,138,095, G>A. VCF-style: chr1-193138095-G-A. GRCh37 (hg19) VCF-style: chr1-193107225-G-A.
Other names: short protein forms C145Y.
Identifiers: ClinVar variation 2181898 (VCV002181898.5), dbSNP rs2527317414, ClinGen allele CA343961038.
Genomic context (GRCh38, chr1:193,138,095, plus strand): 5'-CTAAAAGTTCAATAAAAATTTTAAATGCATTAACCAGTGGTTATTTCCAGGATGAAGAGT[G>A]TGTGCGCCTTGATAAAGAGAGATTGGCTGCCCGTTTGGAGGGTCACAAAGAAGGGATTGT-3'
Protein context (NP_078805.3, residues 135-155): AKKPRIEDEE[Cys145Tyr]VRLDKERLAA

ClinVar aggregate classification (germline): Uncertain significance. Review status: criteria provided, multiple submitters, no conflicts (2 of 4 stars). 2 submissions from 2 submitters: Uncertain significance (2). Last evaluated 2023-12-29.

Conditions:
Parathyroid carcinoma (PRTC). Also called: CDC73-Related Parathyroid Carcinoma; Parathyroid gland carcinoma. Identifiers: Orphanet 143, MedGen C0687150, MONDO:0012004, OMIM 608266, HP:0006780.
Hereditary cancer-predisposing syndrome. Also called: Hereditary Cancer Syndrome; Neoplastic Syndromes, Hereditary; Tumor predisposition; Hereditary neoplastic syndrome. Identifiers: Orphanet 140162, MedGen C0027672, MeSH D009386, MONDO:0015356.

Submissions (2):

Ambry Genetics
Classification: Uncertain significance for Hereditary cancer-predisposing syndrome. Last evaluated: 2023-12-29. Review status: criteria provided, single submitter. Criteria: Ambry Variant Classification Scheme 2023. Collection method: clinical testing. Allele origin: germline.
Comment: The p.C145Y variant (also known as c.434G>A), located in coding exon 6 of the CDC73 gene, results from a G to A substitution at nucleotide position 434. The cysteine at codon 145 is replaced by tyrosine, an amino acid with highly dissimilar properties. This amino acid position is conserved. In addition, the in silico prediction for this alteration is inconclusive. Since supporting evidence is limited at this time, the clinical significance of this alteration remains unclear.

Labcorp Genetics (formerly Invitae), Labcorp
Classification: Uncertain significance for Parathyroid carcinoma. Last evaluated: 2022-04-12. Review status: criteria provided, single submitter. Criteria: Invitae Variant Classification Sherloc (09022015). Collection method: clinical testing. Allele origin: germline.
Comment: In summary, the available evidence is currently insufficient to determine the role of this variant in disease. Therefore, it has been classified as a Variant of Uncertain Significance. Algorithms developed to predict the effect of missense changes on protein structure and function (SIFT, PolyPhen-2, Align-GVGD) all suggest that this variant is likely to be tolerated. This variant has not been reported in the literature in individuals affected with CDC73-related conditions. This variant is not present in population databases (gnomAD no frequency). This sequence change replaces cysteine, which is neutral and slightly polar, with tyrosine, which is neutral and polar, at codon 145 of the CDC73 protein (p.Cys145Tyr).